The following is an entry in ClinVar:

NM_017986.4(SLC52A1):c.760C>G (p.Gln254Glu)

Gene: SLC52A1 (solute carrier family 52 member 1; minus strand). Cytogenetic location: 17p13.2.
Variant type: single nucleotide variant.
Coding change: c.760C>G on transcript NM_017986.4 (MANE Select); coding-DNA position 760, C replaced by G.
Protein change: p.Gln254Glu; replaces glutamine 254 with glutamic acid.
Molecular consequence: missense variant.
Genome position (GRCh38, 1-based): chr17:5,033,729, G>C on the plus strand (C>G on the coding strand, the complement: SLC52A1 is on the minus strand). VCF-style: chr17-5033729-G-C. GRCh37 (hg19) VCF-style: chr17-4937024-G-C.
Other names: c.760C>G, p.Gln254Glu (NM_001104577.2); short protein forms Q254E.
Identifiers: ClinVar variation 2477311 (VCV002477311.5), dbSNP rs1013256108, ClinGen allele CA287194973.

ClinVar aggregate classification (germline): Uncertain significance. Review status: criteria provided, multiple submitters, no conflicts (2 of 4 stars). 2 submissions from 2 submitters: Uncertain significance (2). Last evaluated 2023-01-26.

Conditions:
Vitamin B2 deficiency. Identifiers: MedGen C0035528.

Allele frequency attached by ClinVar (database versions not stated): gnomAD 0.00001; TOPMed 0.00002; gnomAD exomes 0.00004.
gnomAD v4.1: 61 of 1,613,972 alleles (0.0038%); highest among the groups gnomAD compares: Non-Finnish European, 0.0051%; no homozygotes.

Submissions (2):

Ambry Genetics
Classification: Uncertain significance. Last evaluated: 2023-01-26. Review status: criteria provided, single submitter. Criteria: Ambry Variant Classification Scheme 2023. Collection method: clinical testing. Allele origin: germline.

Labcorp Genetics (formerly Invitae), Labcorp
Classification: Uncertain significance for Vitamin B2 deficiency. Last evaluated: 2022-12-29. Review status: criteria provided, single submitter. Criteria: Invitae Variant Classification Sherloc (09022015). Collection method: clinical testing. Allele origin: germline.
Comment: In summary, the available evidence is currently insufficient to determine the role of this variant in disease. Therefore, it has been classified as a Variant of Uncertain Significance. This sequence change replaces glutamine, which is neutral and polar, with glutamic acid, which is acidic and polar, at codon 254 of the SLC52A1 protein (p.Gln254Glu). This variant is present in population databases (no rsID available, gnomAD 0.0009%). This variant has not been reported in the literature in individuals affected with SLC52A1-related conditions. Algorithms developed to predict the effect of missense changes on protein structure and function (SIFT, PolyPhen-2, Align-GVGD) all suggest that this variant is likely to be tolerated.